The following continues an entry in ClinVar:

NM_012452.3(TNFRSF13B):c.542C>A (p.Ala181Glu)

Gene: TNFRSF13B. ClinVar aggregate classification (germline): Conflicting classifications of pathogenicity. Pathogenic (14); Likely pathogenic (11); Likely benign (1).

Submissions 20 to 31 of 36:

Women's Health and Genetics/Laboratory Corporation of America, LabCorp
Classification: Likely pathogenic for Common variable agammaglobulinemia. Last evaluated: 2020-05-01. Review status: criteria provided, single submitter. Criteria: LabCorp Variant Classification Summary - May 2015. Collection method: clinical testing. Allele origin: germline.
Comment: Variant summary: TNFRSF13B c.542C>A (p.Ala181Glu) results in a non-conservative amino acid change in the encoded protein sequence. Three of five in-silico tools predict a damaging effect of the variant on protein function. The variant allele was found at a frequency of 0.0053 in 250818 control chromosomes in the gnomAD database, including 9 homozygotes. The observed variant frequency is approximately 1864 fold of the estimated maximal expected allele frequency for a pathogenic variant in TNFRSF13B causing Common Variable Immunodeficiency phenotype (2.9e-06), suggesting that the variant is benign. However, this variant has been reported in many individuals with Common Variable Immunodeficiency (CVID, examples: Dong_2010, Castigli_2005, Martinez-Gallo_2013, Salzer_2011, Pomar_2009). These data indicate that the variant is likely to be associated with disease. The variant has been reported in CVID patients as heterozygous, homozygous, and in compound heterozygosity with other pathogenic variants in TNFRSF13B. c.542C>A has been shown to segregate with disease in multiple families (example: Castigli_2005), but has also been observed in unaffected family members (example: Martinez-Gallo_2013), indicating reduced penetrance. Different clinical manifestations have been observed in individuals with the variant, even within the same family (example: Dong_2010). The variant was associated with CVID in a case-control study (OR=5.60, CI 2.99-10.51; Pan-Hammarstrom_2007) and a meta-analysis of cases and controls from the literature (Freiberger_2012). In-vitro functional studies indicated that the variant impaired downstream signaling (example-Fried_2011). In addition, a murine model equivalent to the A181E mutation was assessed as having impaired TACI signaling and function in-vivo (Lee_2009). Six ClinVar submitters (evaluation after 2014) cite the variant with conflicting assessments of pathogenic/likely pathogenic (n=4, ) uncertain significance (n=1), likely benign (n=1). Based on the evidence outlined above, the variant was classified as likely pathogenic.

Laboratorio de Genetica e Diagnostico Molecular, Hospital Israelita Albert Einstein
Classification: Likely pathogenic. Last evaluated: 2020-03-11. Review status: criteria provided, single submitter. Criteria: ACMG Guidelines, 2015. Collection method: clinical testing. Allele origin: germline. Affected: yes.
Comment: ACMG classification criteria: PS3, PS4, PM3, BS2

Centre for Mendelian Genomics, University Medical Centre Ljubljana
Classification: Pathogenic for Immunoglobulin A deficiency 2. Last evaluated: 2020-01-29. Review status: criteria provided, single submitter. Criteria: ACMG Guidelines, 2015. Collection method: clinical testing. Allele origin: unknown. Affected: yes.
Comment: This variant was classified as: Pathogenic. The following ACMG criteria were applied in classifying this variant: PS3,PS4.

Baylor Genetics
Classification: Pathogenic for Immunoglobulin A deficiency 2. Last evaluated: 2018-02-23. Review status: criteria provided, single submitter. Criteria: ACMG Guidelines, 2015. Collection method: clinical testing. Allele origin: paternal. Affected: yes.
Comment: This variant was determined to be pathogenic according to ACMG Guidelines, 2015 [PMID:25741868].

Genetic Services Laboratory, University of Chicago
Classification: Likely pathogenic for Immunodeficiency, common variable, 2. Last evaluated: 2017-01-10. Review status: criteria provided, single submitter. Criteria: ACMG Guidelines, 2015. Collection method: clinical testing. Allele origin: germline. Affected: yes.

Center for Genomics, Ann and Robert H. Lurie Children's Hospital of Chicago
Classification: Likely pathogenic for Immunodeficiency, common variable, 2; Immunoglobulin A deficiency 2. Review status: criteria provided, single submitter. Criteria: ACMG Guidelines, 2015. Collection method: clinical testing. Allele origin: germline.
Comment: TNFRSF13B NM_012452.2 exon 4 p.Ala181Glu (c.542C>A): This variant has been reported in the literature in several individuals with features of immunodeficiency and segregating with disease in families, most often Common variable immune deficiency (CVID) (selected publications:Salzer 2005 PMID:16007087, Pan Hammerstrom 2007 PMID:17392797, Lee 2009 PMID:19605846, Dong 2010 PMID:20156508, Freiberger2012 PMID:22884984, Janzi 2012 PMID:21850030, Marinez-Gallo 2013 PMID:23237420 Romberg 2013 PMID:24051380) and this variant is listed as one of the most common variants identified in patients with CVID. This variant is present in 2.4% (603/24990) of Finnish alelles including 8 homozygotes in the Genome Aggregation Database. This variant is present in ClinVar, with several labs classifying this variant as pathogenic or likely pathogenic (Variation ID:5303). Evolutionary conservation and computational predictive tools suggest that this variant may not impact the protein. Functional studies (including a murine model) suggest that this variant impacts the protein (Lee 2009 PMID 19605846, Fried 2011 PMID:21419480, Martinez-Gallo 2013 PMID:23237420, Romberg 2013 PMID:24051380) potentially through impaired expression and signaling. Of note, this variant has been identified in family members who do not present with disease and is present at a high frequency, including homozygotes, in assumed unaffected individuals suggesting notable reduced penetrance and/or variable expressivity. In summary, data on this variant is highly suspicious for disease, but the presence of conflicting data requires further evidence for pathogenicity. Therefore, this variant is classified as likely pathogenic.

Juno Genomics, Hangzhou Juno Genomics, Inc
Classification: Likely pathogenic for Immunodeficiency, common variable, 2. Review status: criteria provided, single submitter. Criteria: ACMG Guidelines, 2015. Collection method: clinical testing. Allele origin: germline.
Comment: The prevalence of the variant in affected individuals is significantly increased compared to the prevalence in controls.;Well-established in vitro or in vivo functional studies supportive of a damaging effect on the gene or gene product.

OMIM
Classification: Pathogenic for IMMUNODEFICIENCY, COMMON VARIABLE, 2. Last evaluated: 2009-09-10. Review status: no assertion criteria provided. Collection method: literature only. Allele origin: germline. Not counted in ClinVar's aggregate classification.

OMIM
Classification: Pathogenic for IMMUNOGLOBULIN A DEFICIENCY 2. Last evaluated: 2009-09-10. Review status: no assertion criteria provided. Collection method: literature only. Allele origin: germline. Not counted in ClinVar's aggregate classification.

Clinical Genetics DNA and cytogenetics Diagnostics Lab, Erasmus MC, Erasmus Medical Center
Classification: Likely pathogenic. Review status: no assertion criteria provided. Collection method: clinical testing. Allele origin: germline. Affected: yes. Study: VKGL Data-share Consensus. Not counted in ClinVar's aggregate classification.

Department of Pathology and Laboratory Medicine, Sinai Health System
Classification: Established risk allele for Common variable immunodeficiency 2. Review status: no assertion criteria provided. Collection method: research. Allele origin: unknown. Not counted in ClinVar's aggregate classification.
Comment: The TNFRSF13B c.542C>A (p.Ala181Glu) variant (dbSNP: rs72553883) was identified in ClinVar and was classified as pathogenic x9 (ARUP Laboratories, Centre for Mendelian Genomics University Medical Centre Ljubljana, Baylor, Mayo Clinic, AiLife Diagnostics, Mendelics, GeneDx, OMIM) and likely pathogenic x13 (Genetics Services Laboratory Univerisyt of Chicago, Invitae, LabCorp, Institute of Human Genetics University of Leipzig Medical Center, Laboratorio de Genetica e Diagnostico Molecular Hospital Israelita Albert Einstein, Center for Genomics, Ann and Robert H. Lurie Children's Hospital of Chicago, Laboratorio de Genetica e Diagnostico Molecular Hospital Israelita Albert Einstein, CeGaT Center for Human Genetics Tuebingen, Genome Diagnostics Laboratory University Medical Center Utrecht, Genome Diagnostics Laboratory Amsterdam University Medical Center, Diagnostic Laboratory, Department of Genetics University Medical Center Groningen, Joint Genome Diagnostic Labs from Nijmegen and Maastricht Radboudumc and MUMC+, Clinical Genetics DNA and cytogenetics Diagnostics Lab, Erasmus MC Erasmus Medical Center) in association with common variable immunodeficiency 2/not provided and likely benign by Illumina in association with dominant common variable immune deficiency (Please refer to ClinVar Accession: VCV000005303.37; Variation ID: 5303 for additional information). The variant was observed in the heterozygous, homozygous, and compound heterozygous state, and seen in unaffected individuals indicating variable expressivity and reduced penetrance (Lee et al., 2009; Martinez-Gallo et al., 2013) (verbatim: GeneDx, Accession: SCV000321966.7). In a case-control study of 844 individuals with common variable immune deficiency (CVID) and 3924 controls, this variant was found to be a risk factor for development of CVID (OR 5.60, CI 2.99-10.51) (PMID: 17392797). A meta-analysis of 1,439 CVID patients and 3,558 controls showed that this variant is significantly enriched in CVID patients (PMID: 22884984) (verbatim: Invitae, Accession: SCV000649857.5). The variant was identified in control databases in 1540 of 282092 chromosomes (10 homozygous) at a frequency of 0.005459, and was observed at the highest frequency in the European (Finnish) population in 603 of 24990 chromosomes (freq: 0.02413) (Genome Aggregation Database March 6, 2019, v2.1.1). The p.A181 residue is conserved in mammals and computational analyses (MUT Assesor, PolyPhen-2, SIFT, MutationTaster, Revel, FATHMM, MetaLR, DANN) provide inconsistent predictions regarding the impact to the protein; this information is not very predictive of pathogenicity. The variant occurs outside of the splicing consensus sequence and in silico or computational prediction software programs (Splice AI exome) do not predict a deleterious effect on splicing. In summary, based on the above information the clinical significance of this variant cannot be determined with certainty at this time although we would lean towards a more pathogenic role for this variant. This variant is classified as likely pathogenic- risk factor for common variable immunodeficiency.

Diagnostic Laboratory, Department of Genetics, University Medical Center Groningen
Classification: Likely pathogenic. Review status: no assertion criteria provided. Collection method: clinical testing. Allele origin: germline. Affected: yes. Study: VKGL Data-share Consensus. Not counted in ClinVar's aggregate classification.